The following is an entry in ClinVar:

NM_172107.4(KCNQ2):c.358A>T (p.Lys120Ter)

Gene: KCNQ2 (potassium voltage-gated channel subfamily Q member 2; minus strand). Cytogenetic location: 20q13.33.
Variant type: single nucleotide variant.
Coding change: c.358A>T on transcript NM_172107.4 (MANE Select); coding-DNA position 358, A replaced by T.
Protein change: p.Lys120Ter; replaces lysine 120 with a stop codon.
Molecular consequence: nonsense.
Genome position (GRCh38, 1-based): chr20:63,446,776, T>A on the plus strand (A>T on the coding strand, the complement: KCNQ2 is on the minus strand). VCF-style: chr20-63446776-T-A. GRCh37 (hg19) VCF-style: chr20-62078129-T-A.
Other names: c.358A>T, p.Lys120Ter (NM_001382235.1, NM_004518.6, NM_172106.3 and 2 more transcripts); short protein forms K120*.
Identifiers: ClinVar variation 3032629 (VCV003032629.2), dbSNP rs2516533290, ClinGen allele CA409656383.

ClinVar aggregate classification (germline): Pathogenic (0 of 4 stars; one submission).

Conditions:
KCNQ2-Related Disorders. Also called: KCNQ2-related disorder; KCNQ2-related condition. Identifiers: MedGen CN169299.

Submission:

PreventionGenetics, part of Exact Sciences
Classification: Pathogenic for KCNQ2-related condition. Last evaluated: 2023-11-06. Review status: no assertion criteria provided. Collection method: clinical testing. Allele origin: germline.
Comment: The KCNQ2 c.358A>T variant is predicted to result in premature protein termination (p.Lys120*). To our knowledge, this variant has not been reported in the literature or in a large population database, indicating this variant is rare. Nonsense variants in KCNQ2 are expected to be pathogenic. This variant is interpreted as pathogenic.